The following is an entry in ClinVar:

NM_015570.4(AUTS2):c.2498G>A (p.Arg833Gln)

Gene: AUTS2 (activator of transcription and developmental regulator AUTS2; plus strand). Cytogenetic location: 7q11.22.
Variant type: single nucleotide variant.
Coding change: c.2498G>A on transcript NM_015570.4 (MANE Select); coding-DNA position 2498, G replaced by A.
Protein change: p.Arg833Gln; replaces arginine 833 with glutamine.
Molecular consequence: missense variant.
Genome position (GRCh38, 1-based): chr7:70,787,398, G>A. VCF-style: chr7-70787398-G-A. GRCh37 (hg19) VCF-style: chr7-70252384-G-A.
Other names: c.2426G>A, p.Arg809Gln (NM_001127231.3); short protein forms R809Q, R833Q.
Identifiers: ClinVar variation 3979144 (VCV003979144.2).

ClinVar aggregate classification (germline): Uncertain significance. Review status: criteria provided, multiple submitters, no conflicts (2 of 4 stars). 2 submissions from 2 submitters: Uncertain significance (2). Last evaluated 2025-08-10.

Conditions:
Inborn genetic diseases. Identifiers: MedGen C0950123, MeSH D030342.

gnomAD v4.1: 41 of 1,613,388 alleles (0.0025%); highest among the groups gnomAD compares: Non-Finnish European, 0.0032%; no homozygotes.

Submissions (2):

Labcorp Genetics (formerly Invitae), Labcorp
Classification: Uncertain significance. Last evaluated: 2025-08-10. Review status: criteria provided, single submitter. Criteria: Invitae Variant Classification Sherloc (09022015). Collection method: clinical testing. Allele origin: germline.
Comment: This sequence change replaces arginine, which is basic and polar, with glutamine, which is neutral and polar, at codon 833 of the AUTS2 protein (p.Arg833Gln). This variant is present in population databases (rs778469209, gnomAD 0.003%). This variant has not been reported in the literature in individuals affected with AUTS2-related conditions. ClinVar contains an entry for this variant (Variation ID: 3979144). Invitae Evidence Modeling of protein sequence and biophysical properties (such as structural, functional, and spatial information, amino acid conservation, physicochemical variation, residue mobility, and thermodynamic stability) indicates that this missense variant is not expected to disrupt AUTS2 protein function with a negative predictive value of 80%. In summary, the available evidence is currently insufficient to determine the role of this variant in disease. Therefore, it has been classified as a Variant of Uncertain Significance.

Ambry Genetics
Classification: Uncertain significance for Inborn genetic diseases. Last evaluated: 2025-05-19. Review status: criteria provided, single submitter. Criteria: Ambry Variant Classification Scheme 2023. Collection method: clinical testing. Allele origin: germline.